The following is an entry in ClinVar:

ClinVar aggregate classification (germline): Benign/Likely benign. Review status: criteria provided, multiple submitters, no conflicts (2 of 4 stars). 12 submissions from 12 submitters: Benign (1); Likely benign (10). 1 of the submissions does not count toward it. Last evaluated 2026-02-03.

Conditions:
Hereditary cancer-predisposing syndrome. Also called: Hereditary Cancer Syndrome; Tumor predisposition; Neoplastic Syndromes, Hereditary; Hereditary neoplastic syndrome. Identifiers: Orphanet 140162, MedGen C0027672, MeSH D009386, MONDO:0015356.
Familial cancer of breast. Also called: hereditary breast carcinoma; BREAST CANCER, FAMILIAL; Hereditary breast cancer. Identifiers: Orphanet 227535, MedGen C0346153, MONDO:0016419, OMIM 114480. Disease mechanism: loss of function.
Ataxia-telangiectasia syndrome (AT). Also called: ATAXIA-TELANGIECTASIA, COMPLEMENTATION GROUP A; ATAXIA-TELANGIECTASIA, FRESNO VARIANT; Ataxia-telangiectasia; Ataxia-telangiectasia, complementation group E; Cerebello-oculocutaneous telangiectasia; Immunodeficiency with ataxia telangiectasia. Identifiers: Orphanet 100, MedGen C0004135, MONDO:0008840, OMIM 208900.

Allele frequency attached by ClinVar (database versions not stated): gnomAD 0.00003; TOPMed 0.00011; gnomAD exomes 0.00012 and 0.00006.
gnomAD v4.1: 42 of 1,613,992 alleles (0.0026%); highest among the groups gnomAD compares: Admixed American, 0.068%; no homozygotes.

Submissions (12):

Labcorp Genetics (formerly Invitae), Labcorp
Classification: Likely benign for Ataxia-telangiectasia syndrome. Last evaluated: 2026-02-03. Review status: criteria provided, single submitter. Criteria: Invitae Variant Classification Sherloc (09022015). Collection method: clinical testing. Allele origin: germline.

Quest Diagnostics Nichols Institute San Juan Capistrano
Classification: Likely benign. Last evaluated: 2025-11-08. Review status: criteria provided, single submitter. Criteria: Quest Diagnostics criteria. Collection method: clinical testing. Allele origin: unknown.

Women's Health and Genetics/Laboratory Corporation of America, LabCorp
Classification: Likely benign. Last evaluated: 2025-05-16. Review status: criteria provided, single submitter. Criteria: LabCorp Variant Classification Summary - May 2015. Collection method: clinical testing. Allele origin: germline.
Comment: Variant summary: ATM c.8100A>G alters a conserved nucleotide resulting in a synonymous change. Consensus agreement among computation tools predict no significant impact on normal splicing. However, these predictions have yet to be confirmed by functional studies. The variant allele was found at a frequency of 0.00012 in 251318 control chromosomes, predominantly at a frequency of 0.00087 within the Latino subpopulation in the gnomAD database. This frequency is not significantly higher than estimated for a pathogenic variant in ATM causing Ataxia-Telangiectasia (0.00012 vs 0.004), allowing no conclusion about variant significance. To our knowledge, no occurrence of c.8100A>G in individuals affected with ATM-related conditions and no experimental evidence demonstrating its impact on protein function have been reported. ClinVar contains an entry for this variant (Variation ID: 183972). Based on the evidence outlined above, the variant was classified as likely benign.

Myriad Genetics, Inc.
Classification: Benign for Familial cancer of breast. Last evaluated: 2024-06-18. Review status: criteria provided, single submitter. Criteria: Myriad Autosomal Dominant, Autosomal Recessive and X-Linked Classification Criteria (2023). Collection method: clinical testing. Allele origin: unknown.
Comment: This variant is considered benign. This variant is a silent/synonymous amino acid change and it is not expected to impact splicing.

Blueprint Genetics
Classification: Likely benign. Last evaluated: 2022-04-12. Review status: criteria provided, single submitter. Criteria: ACMG Guidelines, 2015. Collection method: clinical testing. Allele origin: germline.

Sema4
Classification: Likely benign for Hereditary cancer-predisposing syndrome. Last evaluated: 2021-05-10. Review status: criteria provided, single submitter. Criteria: Sema4 Curation Guidelines. Collection method: curation. Allele origin: germline.

Department of Pathology and Laboratory Medicine, Sinai Health System
Classification: Likely benign for Familial cancer of breast. Last evaluated: 2021-01-19. Review status: criteria provided, single submitter. Criteria: ACMG Guidelines, 2015. Collection method: clinical testing. Allele origin: germline. Affected: yes.

GeneDx
Classification: Likely benign. Last evaluated: 2021-01-07. Review status: criteria provided, single submitter. Criteria: GeneDx Variant Classification Process June 2021. Collection method: clinical testing. Allele origin: germline. Affected: yes.

PreventionGenetics, part of Exact Sciences
Classification: Likely benign. Last evaluated: 2018-01-02. Review status: criteria provided, single submitter. Criteria: ACMG Guidelines, 2015. Collection method: clinical testing. Allele origin: germline.

Color Diagnostics, LLC DBA Color Health
Classification: Likely benign for Hereditary cancer-predisposing syndrome. Last evaluated: 2017-05-09. Review status: criteria provided, single submitter. Criteria: ACMG Guidelines, 2015. Collection method: clinical testing. Allele origin: germline.

Ambry Genetics
Classification: Likely benign for Hereditary cancer-predisposing syndrome. Last evaluated: 2015-05-13. Review status: criteria provided, single submitter. Criteria: Ambry Variant Classification Scheme 2023. Collection method: clinical testing. Allele origin: germline.

Counsyl
Classification: Likely benign for Ataxia-telangiectasia syndrome. Last evaluated: 2017-01-30. Review status: no assertion criteria provided. Collection method: clinical testing. Allele origin: unknown. Not counted in ClinVar's aggregate classification.

NM_000051.4(ATM):c.8100A>G (p.Lys2700=)

Genes: ATM (ATM serine/threonine kinase; plus strand), C11orf65 (chromosome 11 open reading frame 65; minus strand). Cytogenetic location: 11q22.3.
Variant type: single nucleotide variant.
Coding change: c.8100A>G on transcript NM_000051.4 (MANE Select); coding-DNA position 8100, A replaced by G.
Protein change: p.Lys2700=; no amino-acid change (lysine 2700 retained).
Molecular consequence: synonymous variant. On other transcripts: intron variant (2).
Genome position (GRCh38, 1-based): chr11:108,335,058, A>G. VCF-style: chr11-108335058-A-G. GRCh37 (hg19) VCF-style: chr11-108205785-A-G.
Other names: c.8100A>G, p.Lys2700= (NM_001351834.2); c.641-25987T>C (NM_001330368.2); c.*38+162T>C (NM_001351110.2).
Identifiers: ClinVar variation 183972 (VCV000183972.28), dbSNP rs778601472, ClinGen allele CA187357.